The following is an entry in ClinVar:

NM_000465.4(BARD1):c.1622C>G (p.Ser541Trp)

Gene: BARD1 (BRCA1 associated RING domain 1; minus strand). Cytogenetic location: 2q35.
Variant type: single nucleotide variant.
Coding change: c.1622C>G on transcript NM_000465.4 (MANE Select); coding-DNA position 1622, C replaced by G.
Protein change: p.Ser541Trp; replaces serine 541 with tryptophan.
Molecular consequence: missense variant. On other transcripts: non-coding transcript variant (3), intron variant (1).
Genome position (GRCh38, 1-based): chr2:214,752,502, G>C on the plus strand (C>G on the coding strand, the complement: BARD1 is on the minus strand). VCF-style: chr2-214752502-G-C. GRCh37 (hg19) VCF-style: chr2-215617226-G-C.
Other names: c.365-21994C>G (NM_001282549.2); c.1565C>G, p.Ser522Trp (NM_001282543.2); c.269C>G, p.Ser90Trp (NM_001282545.2); c.212C>G, p.Ser71Trp (NM_001282548.2); short protein forms S90W, S522W, S541W, S71W.
Identifiers: ClinVar variation 1776629 (VCV001776629.2), dbSNP rs777937955, ClinGen allele CA350454803.
Genomic context (GRCh38, chr2:214,752,502, plus strand): 5'-CTTACTACTGAGCAGTGGCTAGCTGAGGATGATTCATTCTTCTCTGGTAGCAGCAATAGC[G>C]ATTTCATACTTTCATCATCTGTATAATCGACAGGCCGCAGACCAAATATATTACTGGTAA-3'
Protein context (NP_000456.2, residues 531-551): VDYTDDESMK[Ser541Trp]LLLLPEKNES

ClinVar aggregate classification (germline): Uncertain significance (1 of 4 stars; one submission).

Conditions:
Hereditary cancer-predisposing syndrome. Also called: Neoplastic Syndromes, Hereditary; Tumor predisposition; Hereditary Cancer Syndrome; Hereditary neoplastic syndrome. Identifiers: Orphanet 140162, MedGen C0027672, MeSH D009386, MONDO:0015356.

Submission:

Ambry Genetics
Classification: Uncertain significance for Hereditary cancer-predisposing syndrome. Last evaluated: 2021-08-07. Review status: criteria provided, single submitter. Criteria: Ambry Variant Classification Scheme 2023. Collection method: clinical testing. Allele origin: germline.
Comment: The p.S541W variant (also known as c.1622C>G), located in coding exon 7 of the BARD1 gene, results from a C to G substitution at nucleotide position 1622. The serine at codon 541 is replaced by tryptophan, an amino acid with highly dissimilar properties. This amino acid position is conserved. In addition, this alteration is predicted to be deleterious by in silico analysis. Since supporting evidence is limited at this time, the clinical significance of this alteration remains unclear.